The following is an entry in ClinVar:

NM_017633.3(TENT5A):c.136_137insACTTCGGCGGAGGCG (p.26DFGGG[5])

Gene: TENT5A (terminal nucleotidyltransferase 5A; minus strand). Cytogenetic location: 6q14.1.
Variant type: Insertion.
Coding change: c.136_137insACTTCGGCGGAGGCG on transcript NM_017633.3 (MANE Select); coding-DNA positions 136 to 137, ACTTCGGCGGAGGCG inserted.
Protein change: p.26DFGGG[5].
Molecular consequence: inframe insertion.
Genome position: GRCh38 VCF-style: chr6-81752005-C-CCGCCTCCGCCGAAGT. GRCh37 (hg19) VCF-style: chr6-82461722-C-CCGCCTCCGCCGAAGT.
Identifiers: ClinVar variation 1680610 (VCV001680610.5), dbSNP rs1314620718, ClinGen allele CA828712616.
Genomic context (GRCh38, chr6:81,752,005, plus strand): 5'-AGCACATTGCAGTGCGCCGTAGGGCTTTCGCAATAGTCCAAGCAATGCCCACCGAAGCTG[C>CCGCCTCCGCCGAAGT]CGCCACCGCCGAAGTCGCCGCCGCCGAAGTCGCCGCCGCCGAAGTCGCCGCCGCCGAAGT-3'

ClinVar aggregate classification (germline): Uncertain significance (1 of 4 stars; one submission).

Submission:

Labcorp Genetics (formerly Invitae), Labcorp
Classification: Uncertain significance. Last evaluated: 2022-07-30. Review status: criteria provided, single submitter. Criteria: Invitae Variant Classification Sherloc (09022015). Collection method: clinical testing. Allele origin: germline.
Comment: This variant, c.136_137insACTTCGGCGGAGGCG, results in the insertion of 5 amino acid(s) of the FAM46A protein (p.Asp41_Gly45dup), but otherwise preserves the integrity of the reading frame. This variant is not present in population databases (gnomAD no frequency). This variant has not been reported in the literature in individuals affected with FAM46A-related conditions. ClinVar contains an entry for this variant (Variation ID: 1680610). Experimental studies and prediction algorithms are not available or were not evaluated, and the functional significance of this variant is currently unknown. In summary, the available evidence is currently insufficient to determine the role of this variant in disease. Therefore, it has been classified as a Variant of Uncertain Significance.